The following is an entry in ClinVar:

ClinVar aggregate classification (germline): Uncertain significance (1 of 4 stars; one submission).

Conditions:
Malignant hyperthermia, susceptibility to, 1 (MHS1). Also called: Anesthesia related hyperthermia; Malignant hyperpyrexia; Fulminating hyperpyrexia; Pharmacogenic myopathy; Malignant hyperthermia suceptibility 1; RYR1-Related Malignant Hyperthermia Susceptibility. Identifiers: Orphanet 423, MedGen C2930980, MONDO:0007783, OMIM 145600.

Submission:

All of Us Research Program, National Institutes of Health
Classification: Uncertain significance for Malignant hyperthermia, susceptibility to, 1. Last evaluated: 2024-03-05. Review status: criteria provided, single submitter. Criteria: ACMG Guidelines, 2015. Collection method: clinical testing. Allele origin: germline. Inheritance: Autosomal dominant inheritance. Observed: 1 variant allele, 1 heterozygote.
Comment: This study involves interpretation of variants in research participants for the purpose of population health screening. Participant phenotype was not available at the time of variant classification. Additional details can be found in publication PMID: 35346344, PMCID: PMC8962531

NM_000540.3(RYR1):c.9116_9122+8del

Gene: RYR1 (ryanodine receptor 1; plus strand). Cytogenetic location: 19q13.2.
Variant type: Deletion.
Coding change: c.9116_9122+8del on transcript NM_000540.3 (MANE Select); coding-DNA position 9116 through 8 bases into the intron after coding-DNA position 9122, 15 bases deleted (TCACCAGGTGGGCCG).
Molecular consequence: splice donor variant.
Genome position (GRCh38, 1-based): chr19:38,510,775-38,510,789, TCACCAGGTGGGCCG deleted. VCF-style (leftmost placement, unchanged base first): chr19-38510774-ATCACCAGGTGGGCCG-A. GRCh37 (hg19) VCF-style: chr19-39001414-ATCACCAGGTGGGCCG-A.
Other names: c.9116_9122+8del (NM_001042723.2).
Identifiers: ClinVar variation 3385492 (VCV003385492.1).